The following is an entry in ClinVar:

NM_000235.4(LIPA):c.239del (p.Pro80fs)

Gene: LIPA (lipase A, lysosomal acid type; minus strand). Cytogenetic location: 10q23.31.
Variant type: Deletion.
Coding change: c.239del on transcript NM_000235.4 (MANE Select); coding-DNA position 239, one base deleted (C; older notation c.239delC).
Protein change: p.Pro80fs; shifts the reading frame from proline 80.
Molecular consequence: frameshift variant. On other transcripts: 5 prime UTR variant (1).
Genome position (GRCh38, 1-based): chr10:89,228,389, G deleted on the plus strand (C on the coding strand, the reverse complement: LIPA is on the minus strand); the first of 2 consecutive G bases (chr10:89,228,389-89,228,390); deleting either gives the same sequence. VCF-style (leftmost placement, unchanged base first): chr10-89228388-TG-T. GRCh37 (hg19) VCF-style: chr10-90988145-TG-T.
Other names: c.239del, p.Pro80fs (NM_001127605.3, NM_001440818.1, NM_001440819.1 and 17 more transcripts); c.-110del (NM_001288979.2); c.371del, p.Pro124fs (NM_001440836.1); c.254del, p.Pro85fs (NM_001440838.1); c.71del, p.Pro24fs (NM_001440839.1); short protein forms P124fs, P24fs, P80fs, P85fs.
Identifiers: ClinVar variation 5015367 (VCV005015367.1).

ClinVar aggregate classification (germline): Pathogenic (1 of 4 stars; one submission).

Conditions:
Lysosomal acid lipase deficiency. Also called: Acid cholesteryl ester hydrolase deficiency, type 2. Identifiers: Orphanet 275761, MedGen C5574740, MONDO:0800449, MONDO:0010204.

Submission:

Myriad Genetics, Inc.
Classification: Pathogenic for Lysosomal acid lipase deficiency. Last evaluated: 2025-12-25. Review status: criteria provided, single submitter. Criteria: Myriad Autosomal Dominant, Autosomal Recessive and X-Linked Classification Criteria (2023). Collection method: clinical testing. Allele origin: unknown.
Comment: NM_000235.2(LIPA):c.239delC(P80Qfs*81) is expected to be pathogenic in the context of lysosomal acid lipase deficiency. This variant is predicted to lead to an abnormal or absent protein product due to the creation of a premature termination codon in LIPA, a gene where loss-of-function variants are known to be pathogenic. Please note: this variant was assessed in the context of healthy population screening.